The following is an entry in ClinVar:

ClinVar aggregate classification (germline): Uncertain significance (1 of 4 stars; one submission).

Submission:

Ambry Genetics
Classification: Uncertain significance. Last evaluated: 2023-07-26. Review status: criteria provided, single submitter. Criteria: Ambry Variant Classification Scheme 2023. Collection method: clinical testing. Allele origin: germline.
Comment: The p.F666Y variant (also known as c.1997T>A), located in coding exon 18 of the PRKDC gene, results from a T to A substitution at nucleotide position 1997. The phenylalanine at codon 666 is replaced by tyrosine, an amino acid with highly similar properties. This amino acid position is conserved. In addition, the in silico prediction for this alteration is inconclusive. Since supporting evidence is limited at this time, the clinical significance of this alteration remains unclear.

NM_006904.7(PRKDC):c.1997T>A (p.Phe666Tyr)

Gene: PRKDC (protein kinase, DNA-activated, catalytic subunit; minus strand). Cytogenetic location: 8q11.21.
Variant type: single nucleotide variant.
Coding change: c.1997T>A on transcript NM_006904.7 (MANE Select); coding-DNA position 1997, T replaced by A.
Protein change: p.Phe666Tyr; replaces phenylalanine 666 with tyrosine.
Molecular consequence: missense variant.
Genome position (GRCh38, 1-based): chr8:47,929,908, A>T on the plus strand (T>A on the coding strand, the complement: PRKDC is on the minus strand). VCF-style: chr8-47929908-A-T. GRCh37 (hg19) VCF-style: chr8-48842468-A-T.
Other names: c.1997T>A, p.Phe666Tyr (NM_001081640.2); short protein forms F666Y.
Identifiers: ClinVar variation 2626342 (VCV002626342.2), dbSNP rs2551878611, ClinGen allele CA371164191.